The following is an entry in ClinVar:

NM_173630.4(RTTN):c.3133A>G (p.Lys1045Glu)

Gene: RTTN (rotatin; minus strand). Cytogenetic location: 18q22.2.
Variant type: single nucleotide variant.
Coding change: c.3133A>G on transcript NM_173630.4 (MANE Select); coding-DNA position 3133, A replaced by G.
Protein change: p.Lys1045Glu; replaces lysine 1045 with glutamic acid.
Molecular consequence: missense variant.
Genome position (GRCh38, 1-based): chr18:70,128,368, T>C on the plus strand (A>G on the coding strand, the complement: RTTN is on the minus strand). VCF-style: chr18-70128368-T-C. GRCh37 (hg19) VCF-style: chr18-67795604-T-C.
Other names: c.397A>G, p.Lys133Glu (NM_001318520.2); short protein forms K1045E, K133E.
Identifiers: ClinVar variation 3252897 (VCV003252897.1), dbSNP rs573483174.

ClinVar aggregate classification (germline): Uncertain significance (1 of 4 stars; one submission).

Allele frequency attached by ClinVar (database versions not stated): TOPMed below 0.00001; gnomAD exomes 0.00001.
gnomAD v4.1: 17 of 1,611,636 alleles (0.0011%); highest among the groups gnomAD compares: Non-Finnish European, 0.0014%; no homozygotes.

Submission:

GeneDx
Classification: Uncertain significance. Last evaluated: 2023-11-27. Review status: criteria provided, single submitter. Criteria: GeneDx Variant Classification Process June 2021. Collection method: clinical testing. Allele origin: germline. Affected: yes.
Comment: Not observed at significant frequency in large population cohorts (gnomAD); In silico analysis supports that this missense variant does not alter protein structure/function; Has not been previously published as pathogenic or benign to our knowledge